The following is an entry in ClinVar:

ClinVar aggregate classification (germline): Uncertain significance. Review status: criteria provided, multiple submitters, no conflicts (2 of 4 stars). 2 submissions from 2 submitters: Uncertain significance (2). Last evaluated 2024-03-30.

Conditions:
Imerslund-Grasbeck syndrome type 2. Also called: Megaloblastic anemia 1, Norwegian type; MEGALOBLASTIC ANEMIA, NORWEGIAN TYPE; Imerslund-Gräsbeck syndrome 2. Identifiers: MedGen C4016948, MONDO:0100157, OMIM 618882.
Imerslund-Grasbeck syndrome. Also called: Imerslund-Gräsbeck syndrome; Megaloblastic anemia due to inborn errors of metabolism; ENTEROCYTE COBALAMIN MALABSORPTION; ENTEROCYTE INTRINSIC FACTOR RECEPTOR, DEFECT OF; PERNICIOUS ANEMIA, JUVENILE, DUE TO SELECTIVE INTESTINAL MALABSORPTION OF VITAMIN B12, WITH PROTEINURIA. Identifiers: Orphanet 35858, MedGen C4551825, MONDO:0009853.

Submissions (2):

Fulgent Genetics
Classification: Uncertain significance for Imerslund-Grasbeck syndrome type 2. Last evaluated: 2024-03-30. Review status: criteria provided, single submitter. Criteria: ACMG Guidelines, 2015. Collection method: clinical testing. Allele origin: germline.

Labcorp Genetics (formerly Invitae), Labcorp
Classification: Uncertain significance for Imerslund-Grasbeck syndrome. Last evaluated: 2023-10-22. Review status: criteria provided, single submitter. Criteria: Invitae Variant Classification Sherloc (09022015). Collection method: clinical testing. Allele origin: germline.
Comment: This sequence change replaces aspartic acid, which is acidic and polar, with glycine, which is neutral and non-polar, at codon 122 of the AMN protein (p.Asp122Gly). This variant is not present in population databases (gnomAD no frequency). This variant has not been reported in the literature in individuals affected with AMN-related conditions. Advanced modeling of protein sequence and biophysical properties (such as structural, functional, and spatial information, amino acid conservation, physicochemical variation, residue mobility, and thermodynamic stability) performed at Invitae indicates that this missense variant is not expected to disrupt AMN protein function. In summary, the available evidence is currently insufficient to determine the role of this variant in disease. Therefore, it has been classified as a Variant of Uncertain Significance.

NM_030943.4(AMN):c.365A>G (p.Asp122Gly)

Gene: AMN (amnion associated transmembrane protein; plus strand). Cytogenetic location: 14q32.32.
Variant type: single nucleotide variant.
Coding change: c.365A>G on transcript NM_030943.4 (MANE Select); coding-DNA position 365, A replaced by G.
Protein change: p.Asp122Gly; replaces aspartic acid 122 with glycine.
Molecular consequence: missense variant.
Genome position (GRCh38, 1-based): chr14:102,928,827, A>G. VCF-style: chr14-102928827-A-G. GRCh37 (hg19) VCF-style: chr14-103395164-A-G.
Other names: c.203A>G, p.Asp68Gly (NM_001425246.1); short protein forms D68G, D122G.
Identifiers: ClinVar variation 2888857 (VCV002888857.4), dbSNP rs1891254349, ClinGen allele CA391080494.